The following is an entry in ClinVar:

ClinVar aggregate classification (germline): Benign (1 of 4 stars; one submission).

Submission:

GeneDx
Classification: Benign. Last evaluated: 2018-06-14. Review status: criteria provided, single submitter. Criteria: GeneDx Variant Classification (06012015). Collection method: clinical testing. Allele origin: germline. Affected: yes.
Comment: This variant is considered likely benign or benign based on one or more of the following criteria: it is a conservative change, it occurs at a poorly conserved position in the protein, it is predicted to be benign by multiple in silico algorithms, and/or has population frequency not consistent with disease.

NM_032229.3(SLITRK6):c.-24-49dup

Gene: SLITRK6 (SLIT and NTRK like family member 6; minus strand). Cytogenetic location: 13q31.1.
Variant type: Duplication.
Coding change: c.-24-49dup on transcript NM_032229.3 (MANE Select); 49 bases into the intron before 24 bases upstream of the start codon, one base duplicated (C; older notation c.-24-49dupC).
Molecular consequence: intron variant.
Genome position (GRCh38, 1-based): chr13:85,796,578, G duplicated on the plus strand (C on the coding strand, the reverse complement: SLITRK6 is on the minus strand); the first of 4 consecutive G bases (chr13:85,796,578-85,796,581); duplicating any one gives the same sequence. VCF-style (leftmost placement, unchanged base first): chr13-85796577-T-TG. GRCh37 (hg19) VCF-style: chr13-86370712-T-TG.
Identifiers: ClinVar variation 682572 (VCV000682572.1), dbSNP rs139085461, ClinGen allele CA253126115.